The following is an entry in ClinVar:

NM_032482.3(DOT1L):c.2813_2815del (p.Ser938del)

Gene: DOT1L (DOT1 like histone lysine methyltransferase; plus strand). Cytogenetic location: 19p13.3.
Variant type: Deletion.
Coding change: c.2813_2815del on transcript NM_032482.3 (MANE Select); coding-DNA positions 2813 to 2815, 3 bases deleted (CCT; older notation c.2813_2815delCCT).
Protein change: p.Ser938del; deletes serine 938.
Molecular consequence: inframe deletion.
Genome position (GRCh38, 1-based): chr19:2,221,982-2,221,984, CCT deleted; deleting any 3 consecutive bases within chr19:2,221,980-2,221,984 gives the same sequence; the c. name uses the placement nearest the transcript's 3' end. VCF-style (leftmost placement, unchanged base first): chr19-2221979-TCTC-T. GRCh37 (hg19) VCF-style: chr19-2221978-TCTC-T.
Other names: c.2813_2815del, p.Ser938del (NM_001411141.1); short protein forms S938del.
Identifiers: ClinVar variation 4822234 (VCV004822234.4).

ClinVar aggregate classification (germline): Likely benign (1 of 4 stars; one submission).

Submission:

CeGaT Center for Human Genetics Tuebingen
Classification: Likely benign. Last evaluated: 2026-01-01. Review status: criteria provided, single submitter. Criteria: CeGaT Center For Human Genetics Tuebingen Variant Classification Criteria Version 2. Collection method: clinical testing. Allele origin: germline. Affected: yes. Observed: 1 variant allele.
Comment: DOT1L: PM4:Supporting, BS2